The following is an entry in ClinVar:

NM_003482.4(KMT2D):c.5832C>A (p.Tyr1944Ter)

Gene: KMT2D (lysine methyltransferase 2D; minus strand). Cytogenetic location: 12q13.12.
Variant type: single nucleotide variant.
Coding change: c.5832C>A on transcript NM_003482.4 (MANE Select); coding-DNA position 5832, C replaced by A.
Protein change: p.Tyr1944Ter; replaces tyrosine 1944 with a stop codon.
Molecular consequence: nonsense.
Genome position (GRCh38, 1-based): chr12:49,042,596, G>T on the plus strand (C>A on the coding strand, the complement: KMT2D is on the minus strand). VCF-style: chr12-49042596-G-T. GRCh37 (hg19) VCF-style: chr12-49436379-G-T.
Other names: short protein forms Y1944*.
Identifiers: ClinVar variation 3721141 (VCV003721141.2).

ClinVar aggregate classification (germline): Pathogenic (1 of 4 stars; one submission).

Conditions:
Kabuki syndrome. Also called: NIIKAWA-KUROKI SYNDROME; Kabuki make-up syndrome. Identifiers: Orphanet 2322, MedGen C0796004, MONDO:0016512.

Submission:

Labcorp Genetics (formerly Invitae), Labcorp
Classification: Pathogenic for Kabuki syndrome. Last evaluated: 2024-02-28. Review status: criteria provided, single submitter. Criteria: Invitae Variant Classification Sherloc (09022015). Collection method: clinical testing. Allele origin: germline.
Comment: This sequence change creates a premature translational stop signal (p.Tyr1944*) in the KMT2D gene. It is expected to result in an absent or disrupted protein product. Loss-of-function variants in KMT2D are known to be pathogenic (PMID: 22126750). This variant is not present in population databases (gnomAD no frequency). This premature translational stop signal has been observed in individual(s) with Kabuki syndrome (PMID: 21671394). Algorithms developed to predict the effect of sequence changes on RNA splicing suggest that this variant may disrupt the consensus splice site. For these reasons, this variant has been classified as Pathogenic.

Literature cited by the submitters: PubMed 22126750; PubMed 21671394.